The following is an entry in ClinVar:

NM_000154.2(GALK1):c.1036G>A (p.Gly346Ser)

Gene: GALK1 (galactokinase 1; minus strand). Cytogenetic location: 17q25.1.
Variant type: single nucleotide variant.
Coding change: c.1036G>A on transcript NM_000154.2 (MANE Select); coding-DNA position 1036, G replaced by A.
Protein change: p.Gly346Ser; replaces glycine 346 with serine.
Molecular consequence: missense variant.
Genome position (GRCh38, 1-based): chr17:75,758,281, C>T on the plus strand (G>A on the coding strand, the complement: GALK1 is on the minus strand). VCF-style: chr17-75758281-C-T. GRCh37 (hg19) VCF-style: chr17-73754362-C-T.
Other names: short protein forms G346S.
Identifiers: ClinVar variation 597919 (VCV000597919.24), dbSNP rs375690568, ClinGen allele CA8770756.
Genomic context (GRCh38, chr17:75,758,281, plus strand): 5'-GCATGGCGTGGGGAGCAGCGGAGGCCTCCAGCAGTGTCACCGTGCAGCCACCGAAGCCAC[C>T]GCCCGTCATGCGGCTGCCATAAACCCCAGGCACAGCAAGCGCAGCCTCCACCAGCTGGTC-3'
Protein context (NP_000145.1, residues 336-356): PGVYGSRMTG[Gly346Ser]GFGGCTVTLL

ClinVar aggregate classification (germline): Pathogenic/Likely pathogenic. Review status: criteria provided, multiple submitters, no conflicts (2 of 4 stars). 7 submissions from 7 submitters: Pathogenic (2); Likely pathogenic (3). 2 of the submissions do not count toward it. Last evaluated 2026-08-26.

Conditions:
GALK1-related disorder. Also called: GALK1-related condition.
Deficiency of galactokinase. Also called: Galactokinase deficiency with cataracts; GALACTOSEMIA II. Identifiers: Orphanet 352, Orphanet 79237, MedGen C0268155, MONDO:0009255, OMIM 230200.

Allele frequency attached by ClinVar (database versions not stated): ExAC 0.00013; ESP Exome Variant Server 0.00015; 1000 Genomes Project 30x 0.00016; TOPMed 0.00005; gnomAD exomes 0.00006 and 0.00009; gnomAD 0.00007.
gnomAD v4.1: 92 of 1,592,342 alleles (0.0058%); highest among the groups gnomAD compares: Non-Finnish European, 0.0072%; no homozygotes.

Submissions (7):

Myriad Genetics, Inc.
Classification: Likely pathogenic for Deficiency of galactokinase. Last evaluated: 2026-08-26. Review status: criteria provided, single submitter. Criteria: Myriad Autosomal Dominant, Autosomal Recessive and X-Linked Classification Criteria (2023). Collection method: clinical testing. Allele origin: unknown.
Comment: NM_000154.1(GALK1):c.1036G>A(G346S) is a missense variant classified as likely pathogenic in the context of galactokinase deficiency. G346S has been observed in cases with relevant disease (PMID: 10790206, 32807972). Relevant functional assessments of this variant are not available in the literature. G346S has been observed in referenced population frequency databases. In summary, NM_000154.1(GALK1):c.1036G>A(G346S) is a missense variant that has been observed more frequently in cases with the relevant disease than in healthy populations. Please note: this variant was assessed in the context of healthy population screening.

Labcorp Genetics (formerly Invitae), Labcorp
Classification: Pathogenic for Deficiency of galactokinase. Last evaluated: 2025-09-09. Review status: criteria provided, single submitter. Criteria: Invitae Variant Classification Sherloc (09022015). Collection method: clinical testing. Allele origin: germline.
Comment: This sequence change replaces glycine, which is neutral and non-polar, with serine, which is neutral and polar, at codon 346 of the GALK1 protein (p.Gly346Ser). This variant is present in population databases (rs375690568, gnomAD 0.01%). This missense change has been observed in individual(s) with galactokinase deficiency (PMID: 10790206; internal data). In at least one individual the data is consistent with being in trans (on the opposite chromosome) from a pathogenic variant. ClinVar contains an entry for this variant (Variation ID: 597919). Invitae Evidence Modeling of protein sequence and biophysical properties (such as structural, functional, and spatial information, amino acid conservation, physicochemical variation, residue mobility, and thermodynamic stability) has been performed for this missense variant. However, the output from this modeling did not meet the statistical confidence thresholds required to predict the impact of this variant on GALK1 protein function. Experimental studies have shown that this missense change affects GALK1 function (PMID: 10790206, 12694189). For these reasons, this variant has been classified as Pathogenic.

Women's Health and Genetics/Laboratory Corporation of America, LabCorp
Classification: Pathogenic for Deficiency of galactokinase. Last evaluated: 2025-06-13. Review status: criteria provided, single submitter. Criteria: LabCorp Variant Classification Summary - May 2015. Collection method: clinical testing. Allele origin: germline.
Comment: Variant summary: GALK1 c.1036G>A (p.Gly346Ser) results in a non-conservative amino acid change located in the GHMP kinase, C-terminal domain of the encoded protein sequence. Algorithms developed to predict the effect of missense changes on protein structure and function all suggest that this variant is likely to be disruptive. The variant allele was found at a frequency of 9.2e-05 in 206690 control chromosomes. This frequency is not significantly higher than estimated for a pathogenic variant in GALK1 causing Deficiency Of Galactokinase (9.2e-05 vs 0.0011), allowing no conclusion about variant significance. c.1036G>A has been observed in individual(s) affected with Deficiency Of Galactokinase (Kolosha_2000, Rubio-Gozalbo_2021, LCG internal data). These data indicate that the variant may be associated with disease. At least one publication reports experimental evidence evaluating an impact on protein function. The most pronounced variant effect results in 10%-<30% of normal activity. The following publications have been ascertained in the context of this evaluation (PMID: 10790206, 14596685, 32807972). ClinVar contains an entry for this variant (Variation ID: 597919). Based on the evidence outlined above, the variant was classified as pathogenic.

Natera, Inc.
Classification: Likely pathogenic for Deficiency of galactokinase. Last evaluated: 2024-11-19. Review status: criteria provided, single submitter. Criteria: Natera Variant Classification Schema (03/2026). Collection method: clinical testing. Allele origin: germline.
Comment: The c.1036G>A variant in GALK1 is a missense variant predicted to cause substitution of glycine to serine at amino acid 346. This variant is rare in the general population with a frequency below the threshold expected for the associated phenotype(s). This variant has been observed in one or more individuals affected with the associated recessive disease, as either homozygous or compound heterozygous with a second variant (PMID: 10790206, 32807972). This variant has been identified in one or more affected individuals with a phenotype highly consistent with the associated gene (PMID: 10790206). Computational prediction algorithms indicate this variant is likely to affect gene or protein function. Given the available evidence, this variant is classified as Likely Pathogenic.

Fulgent Genetics
Classification: Likely pathogenic for Deficiency of galactokinase. Last evaluated: 2024-03-05. Review status: criteria provided, single submitter. Criteria: ACMG Guidelines, 2015. Collection method: clinical testing. Allele origin: germline.

PreventionGenetics, part of Exact Sciences
Classification: Likely pathogenic for GALK1-related condition. Last evaluated: 2024-04-05. Review status: no assertion criteria provided. Collection method: clinical testing. Allele origin: germline. Not counted in ClinVar's aggregate classification.
Comment: The GALK1 c.1036G>A variant is predicted to result in the amino acid substitution p.Gly346Ser. This variant was reported in an individual with galactokinase deficiency (Kolosha et al. 2000. PubMed ID: 10790206). In vitro functional studies have shown that p.Gly346Ser substitution leads to altered kinetic constants and reduced galactokinase activity (Kolosha et al. 2000. PubMed ID: 10790206; Timson et al. 2003. PubMed ID: 12694189). This variant is reported in 0.015% of alleles in individuals of European (Non-Finnish) descent in gnomAD. This variant is interpreted as likely pathogenic.

Eurofins Ntd Llc (ga)
Classification: Uncertain significance. Last evaluated: 2018-07-10. Review status: flagged submission. Criteria: EGL ClinVar v180209 classification definitions. Collection method: clinical testing. Allele origin: germline. Observed: 1 variant allele, 1 heterozygote. Not counted in ClinVar's aggregate classification.
ClinVar note: Reason: Outlier claim with insufficient supporting evidence

Literature cited by the submitters: PubMed 10790206 (cited by 4 submitters); PubMed 32807972 (cited by 3 submitters); PubMed 12694189 (cited by Labcorp Genetics (formerly Invitae), Labcorp); PubMed 14596685 (cited by Women's Health and Genetics/Laboratory Corporation of America, LabCorp).